The following is an entry in ClinVar:

NM_000051.4(ATM):c.8432dup (p.Ser2812fs)

Genes: ATM (ATM serine/threonine kinase; plus strand), C11orf65 (chromosome 11 open reading frame 65; minus strand). Cytogenetic location: 11q22.3.
Variant type: Duplication.
Coding change: c.8432dup on transcript NM_000051.4 (MANE Select); coding-DNA position 8432, one base duplicated (A; older notation c.8432dupA).
Protein change: p.Ser2812fs; shifts the reading frame from serine 2812.
Molecular consequence: frameshift variant. On other transcripts: intron variant (2).
Genome position (GRCh38, 1-based): chr11:108,345,756, A duplicated; the last of 7 consecutive A bases (chr11:108,345,750-108,345,756); duplicating any one gives the same sequence. VCF-style (leftmost placement, unchanged base first): chr11-108345749-C-CA. GRCh37 (hg19) VCF-style: chr11-108216476-C-CA.
Other names: c.8432dupA (NM_000051.4, NM_000051.3); c.8432dup, p.Ser2812fs (NM_001351834.2); c.641-36679dup (NM_001330368.2); c.695-10458dup (NM_001351110.2); short protein forms S2812fs.
Identifiers: ClinVar variation 187124 (VCV000187124.22), dbSNP rs587782558, ClinGen allele CA196792.
Genomic context (GRCh38, chr11:108,345,749, plus strand): 5'-TAGTTTAATTGAACACAATATTGAAAAATAATTATATATATTCTCTATTTAAAGGAGGTG[C>CA]AAAAAAAGTCTTTTGAAGAGAAATATGAAGTCTTCATGGATGTTTGCCAAAATTTTCAAC-3'

ClinVar aggregate classification (germline): Pathogenic/Likely pathogenic. Review status: criteria provided, multiple submitters, no conflicts (2 of 4 stars). 8 submissions from 8 submitters: Pathogenic (5); Likely pathogenic (1). 2 of the submissions do not count toward it. Last evaluated 2025-05-15.
ClinVar aggregate classification (oncogenicity): Likely oncogenic (1 of 4 stars; one submission).

Conditions:
Hereditary cancer-predisposing syndrome. Also called: Hereditary Cancer Syndrome; Tumor predisposition; Neoplastic Syndromes, Hereditary; Hereditary neoplastic syndrome. Identifiers: Orphanet 140162, MedGen C0027672, MeSH D009386, MONDO:0015356.
Familial cancer of breast. Also called: hereditary breast carcinoma; BREAST CANCER, FAMILIAL; Hereditary breast cancer. Identifiers: Orphanet 227535, MedGen C0346153, MONDO:0016419, OMIM 114480. Disease mechanism: loss of function.
Ataxia-telangiectasia syndrome (AT). Also called: ATAXIA-TELANGIECTASIA, COMPLEMENTATION GROUP A; ATAXIA-TELANGIECTASIA, FRESNO VARIANT; Ataxia-telangiectasia; Ataxia-telangiectasia, complementation group E; Cerebello-oculocutaneous telangiectasia; Immunodeficiency with ataxia telangiectasia. Identifiers: Orphanet 100, MedGen C0004135, MONDO:0008840, OMIM 208900.
Neoplasm. Also called: tumor; Neoplasms; Neoplasm (disease). Identifiers: MedGen C0027651, MeSH D009369, MONDO:0005070, HP:0002664.

Submissions (9):

Center for Genomic Medicine, Rigshospitalet, Copenhagen University Hospital
Classification: Likely oncogenic for Neoplasm. Last evaluated: 2025-12-29. Review status: criteria provided, single submitter. Criteria: ClinGen/CGC/VICC Guidelines for Oncogenicity, 2022. Collection method: clinical testing. Allele origin: somatic. Affected: yes.

GeneKor MSA
Classification: Pathogenic for Hereditary cancer-predisposing syndrome. Last evaluated: 2025-05-15. Review status: criteria provided, single submitter. Criteria: ACMG Guidelines, 2015. Collection method: clinical testing. Allele origin: germline. Affected: yes.
Comment: This is a single nucleotide duplication in exon 58 of the ATM mRNA c.( 8432dup), causing a frameshift after codon 2812. This creates a premature translational stop signal 3 amino acid residues later p.(Ser2812Valfs*3) and is expected to result in an absent or disrupted protein product. Loss-of-function variants in ATM are known to be pathogenic (PMID:23807571, 25614872). This variant is present in population databases (rs587782558). This premature translational stop signal has been observed in an individual with colorectal cancer (PMID:33294277). This variation has been described in mutation database ClinVar (VCV000187124.21). Based on the classification criteria set by the ACMG and AMP (PMID:25741868) this variant has been classified as pathogenic.

Labcorp Genetics (formerly Invitae), Labcorp
Classification: Pathogenic for Ataxia-telangiectasia syndrome. Last evaluated: 2025-05-13. Review status: criteria provided, single submitter. Criteria: Invitae Variant Classification Sherloc (09022015). Collection method: clinical testing. Allele origin: germline.
Comment: This sequence change creates a premature translational stop signal (p.Ser2812Valfs*3) in the ATM gene. It is expected to result in an absent or disrupted protein product. Loss-of-function variants in ATM are known to be pathogenic (PMID: 23807571, 25614872). This variant is not present in population databases (gnomAD no frequency). This variant has not been reported in the literature in individuals affected with ATM-related conditions. ClinVar contains an entry for this variant (Variation ID: 187124). For these reasons, this variant has been classified as Pathogenic.

Ambry Genetics
Classification: Pathogenic for Hereditary cancer-predisposing syndrome. Last evaluated: 2024-08-01. Review status: criteria provided, single submitter. Criteria: Ambry Variant Classification Scheme 2023. Collection method: clinical testing. Allele origin: germline.
Comment: The c.8432dupA pathogenic mutation, located in coding exon 57 of the ATM gene, results from a duplication of A at nucleotide position 8432, causing a translational frameshift with a predicted alternate stop codon (p.S2812Vfs*3). This variant is considered to be rare based on population cohorts in the Genome Aggregation Database (gnomAD). This alteration is expected to result in loss of function by premature protein truncation or nonsense-mediated mRNA decay. As such, this alteration is interpreted as a disease-causing mutation.

Myriad Genetics, Inc.
Classification: Pathogenic for Familial cancer of breast. Last evaluated: 2024-02-02. Review status: criteria provided, single submitter. Criteria: Myriad Autosomal Dominant, Autosomal Recessive and X-Linked Classification Criteria (2023). Collection method: clinical testing. Allele origin: unknown.
Comment: This variant is considered pathogenic. This variant creates a frameshift predicted to result in premature protein truncation.

GeneDx
Classification: Likely pathogenic. Last evaluated: 2021-10-22. Review status: criteria provided, single submitter. Criteria: GeneDx Variant Classification Process June 2021. Collection method: clinical testing. Allele origin: germline. Affected: yes.
Comment: Frameshift variant predicted to result in protein truncation or nonsense mediated decay in a gene for which loss-of-function is a known mechanism of disease; Not observed at significant frequency in large population cohorts (gnomAD); Observed in individuals with colorectal cancer (PMID: 33294277); This variant is associated with the following publications: (PMID: 33294277)

Color Diagnostics, LLC DBA Color Health
Classification: Pathogenic for Hereditary cancer-predisposing syndrome. Last evaluated: 2020-01-15. Review status: criteria provided, single submitter. Criteria: ACMG Guidelines, 2015. Collection method: clinical testing. Allele origin: germline.
Comment: This variant inserts 1 nucleotide in exon 58 of the ATM gene, creating a frameshift and premature translation stop signal. This variant is expected to result in an absent or non-functional protein product. This variant has not been identified in the general population by the Genome Aggregation Database (gnomAD). Loss of ATM function is a known mechanism of disease. Based on the available evidence, this variant is classified as Pathogenic.

Clinical Genetics DNA and cytogenetics Diagnostics Lab, Erasmus MC, Erasmus Medical Center
Classification: Pathogenic. Review status: no assertion criteria provided. Collection method: clinical testing. Allele origin: germline. Affected: yes. Study: VKGL Data-share Consensus. Not counted in ClinVar's aggregate classification.

Clinical Genetics Laboratory, Department of Pathology, Netherlands Cancer Institute
Classification: Pathogenic. Review status: no assertion criteria provided. Collection method: clinical testing. Allele origin: germline. Affected: yes. Study: VKGL Data-share Consensus. Not counted in ClinVar's aggregate classification.

Literature cited by the submitters: PubMed 16603769 (cited by Center for Genomic Medicine, Rigshospitalet, Copenhagen University Hospital); PubMed 23807571 (cited by GeneKor MSA and Labcorp Genetics (formerly Invitae), Labcorp); PubMed 25614872 (cited by GeneKor MSA and Labcorp Genetics (formerly Invitae), Labcorp); PubMed 33294277 (cited by GeneKor MSA).